The following is an entry in ClinVar:

ClinVar aggregate classification (germline): Uncertain significance (1 of 4 stars; one submission).

Conditions:
Episodic ataxia type 1 (EA1). Also called: Episodic ataxia/myokymia syndrome; ATAXIA, EPISODIC, WITH MYOKYMIA; MYOKYMIA WITH PERIODIC ATAXIA; PAROXYSMAL ATAXIA WITH NEUROMYOTONIA, HEREDITARY. Identifiers: Orphanet 37612, Orphanet 972, MedGen C1719788, MONDO:0008047, OMIM 160120.

Submission:

Labcorp Genetics (formerly Invitae), Labcorp
Classification: Uncertain significance for Episodic ataxia type 1. Last evaluated: 2023-06-05. Review status: criteria provided, single submitter. Criteria: Invitae Variant Classification Sherloc (09022015). Collection method: clinical testing. Allele origin: germline.
Comment: In summary, the available evidence is currently insufficient to determine the role of this variant in disease. Therefore, it has been classified as a Variant of Uncertain Significance. Advanced modeling of protein sequence and biophysical properties (such as structural, functional, and spatial information, amino acid conservation, physicochemical variation, residue mobility, and thermodynamic stability) performed at Invitae indicates that this missense variant is expected to disrupt KCNA1 protein function. This sequence change replaces glycine, which is neutral and non-polar, with serine, which is neutral and polar, at codon 99 of the KCNA1 protein (p.Gly99Ser). This variant is not present in population databases (gnomAD no frequency). This variant has not been reported in the literature in individuals affected with KCNA1-related conditions.

NM_000217.3(KCNA1):c.295G>A (p.Gly99Ser)

Gene: KCNA1 (potassium voltage-gated channel subfamily A member 1; plus strand). Cytogenetic location: 12p13.32.
Variant type: single nucleotide variant.
Coding change: c.295G>A on transcript NM_000217.3 (MANE Select); coding-DNA position 295, G replaced by A.
Protein change: p.Gly99Ser; replaces glycine 99 with serine.
Molecular consequence: missense variant.
Genome position (GRCh38, 1-based): chr12:4,911,673, G>A. VCF-style: chr12-4911673-G-A. GRCh37 (hg19) VCF-style: chr12-5020839-G-A.
Other names: short protein forms G99S.
Identifiers: ClinVar variation 2715287 (VCV002715287.3), dbSNP rs1223200683, ClinGen allele CA383454239.